The following is an entry in ClinVar:

ClinVar aggregate classification (germline): Pathogenic/Likely pathogenic. Review status: criteria provided, multiple submitters, no conflicts (2 of 4 stars). 3 submissions from 3 submitters: Pathogenic (1); Likely pathogenic (1). 1 of the submissions does not count toward it. Last evaluated 2025-05-14.

Conditions:
Pyruvate dehydrogenase E1-alpha deficiency (PDHAD). Also called: Ataxia, intermittent, with pyruvate dehydrogenase, or decarboxylase, deficiency; ATAXIA, INTERMITTENT, WITH PYRUVATE DEHYDROGENASE DEFICIENCY; ATAXIA WITH LACTIC ACIDOSIS I; ATAXIA, INTERMITTENT, WITH ABNORMAL PYRUVATE METABOLISM. Identifiers: Orphanet 79243, MedGen C1839413, MONDO:0010717, OMIM 312170.

Submissions (3):

GeneDx
Classification: Likely pathogenic. Last evaluated: 2025-05-14. Review status: criteria provided, single submitter. Criteria: GeneDx Variant Classification Process June 2021. Collection method: clinical testing. Allele origin: germline. Affected: yes.
Comment: Not observed at significant frequency in large population cohorts (gnomAD); In silico analysis supports that this missense variant has a deleterious effect on protein structure/function; In silico analysis suggests this variant may impact gene splicing. In the absence of RNA/functional studies, the actual effect of this sequence change is unknown.; This variant is associated with the following publications: (PMID: 26014431, 27374853)

Elsea Laboratory, Baylor College of Medicine
Classification: Pathogenic for Pyruvate dehydrogenase E1-alpha deficiency. Last evaluated: 2020-04-01. Review status: criteria provided, single submitter. Criteria: ACMG Guidelines, 2015. Collection method: clinical testing. Allele origin: germline. Affected: yes.

PDHA1 Study Group, University Children’s Hospital, Paracelsus Medical University
Classification: Likely pathogenic for Pyruvate dehydrogenase E1-alpha deficiency. Last evaluated: 2024-10-15. Review status: no assertion criteria provided. Collection method: research. Allele origin: de novo. Affected: yes. Observed: 3 variant alleles. Not counted in ClinVar's aggregate classification.
Comment: The NM_000284.3:c.832G>A (p.Gly278Arg) substitution is a missense variant in PDHA1 gene.In total, 3 individuals were diagnosed with PDHA1-related Pyruvate dehydrogenase complex (PDHc) deficiency (MIM #312170). These include 3 males. Among them, 1 case had confirmed de novo occurrence, and 1 was confirmed inherited. The variant has been reported in 1 published case (PMIDs: 26014431, 30634555). Additional 2 unpublished cases from internal data are included. Last literature search: July 12, 2024. This variant is absent or extremely rare in population-based cohorts in the Genome Aggregation Database (gnomAD). Individuals harboring this variant presented with clinical features compatible with PDHA1-related PDHc deficiency. In summary, this variant meets criteria to be classified as likely pathogenic (LP) for PDHA1-related PDHc deficiency based on the ACMG/AMP criteria applied: PM2, PM5, PP3, PP4 (last assessment October 15, 2024).

Literature cited by the submitters: PubMed 26014431 (cited by PDHA1 Study Group, University Children’s Hospital, Paracelsus Medical University); PubMed 30634555 (cited by PDHA1 Study Group, University Children’s Hospital, Paracelsus Medical University); DOI 10.1093/brain/awaf430 (cited by PDHA1 Study Group, University Children’s Hospital, Paracelsus Medical University).

NM_000284.4(PDHA1):c.832G>A (p.Gly278Arg)

Gene: PDHA1 (pyruvate dehydrogenase E1 subunit alpha 1; plus strand). Cytogenetic location: Xp22.12.
Variant type: single nucleotide variant.
Coding change: c.832G>A on transcript NM_000284.4 (MANE Select); coding-DNA position 832, G replaced by A.
Protein change: p.Gly278Arg; replaces glycine 278 with arginine.
Molecular consequence: missense variant.
Genome position (GRCh38, 1-based): chrX:19,357,652, G>A. VCF-style: chrX-19357652-G-A. GRCh37 (hg19) VCF-style: chrX-19375770-G-A.
Other names: c.946G>A, p.Gly316Arg (NM_001173454.2); c.853G>A, p.Gly285Arg (NM_001173455.2); c.739G>A, p.Gly247Arg (NM_001173456.2); short protein forms G278R, G285R, G316R, G247R.
Identifiers: ClinVar variation 384555 (VCV000384555.6), dbSNP rs1057521993, ClinGen allele CA16608805.
Genomic context (GRCh38, chrX:19,357,652, plus strand): 5'-CCGGCCTGTTCTTCCAGTCATCGTTCCTAACTAACTAACTGCCTACCGGTTCTGTTTTAG[G>A]GGCCCATCCTGATGGAGCTGCAGACTTACCGTTACCACGGACACAGTATGAGTGACCCTG-3'
Protein context (NP_000275.1, residues 268-288): FAAAYCRSGK[Gly278Arg]PILMELQTYR